The following is an entry in ClinVar:

ClinVar aggregate classification (germline): Uncertain significance (1 of 4 stars; one submission).

Conditions:
Arginine:glycine amidinotransferase deficiency (CCDS3). Also called: AGAT deficiency; Creatine deficiency syndrome due to AGAT deficiency; GATM deficiency; L-Arginine:Glycine Amidinotransferase Deficiency; L-Arginine:Glycine Amidinotransferase (AGAT) Deficiency; Cerebral creatine deficiency syndrome 3. Identifiers: Orphanet 35704, MedGen C2675179, MONDO:0012996, OMIM 612718.

Submission:

Labcorp Genetics (formerly Invitae), Labcorp
Classification: Uncertain significance for Arginine:glycine amidinotransferase deficiency. Last evaluated: 2022-02-05. Review status: criteria provided, single submitter. Criteria: Invitae Variant Classification Sherloc (09022015). Collection method: clinical testing. Allele origin: germline.
Comment: This sequence change replaces arginine, which is basic and polar, with serine, which is neutral and polar, at codon 197 of the GATM protein (p.Arg197Ser). This variant is not present in population databases (gnomAD no frequency). This variant has not been reported in the literature in individuals affected with GATM-related conditions. ClinVar contains an entry for this variant (Variation ID: 646168). Algorithms developed to predict the effect of missense changes on protein structure and function are either unavailable or do not agree on the potential impact of this missense change (SIFT: "Deleterious"; PolyPhen-2: "Probably Damaging"; Align-GVGD: "Class C0"). In summary, the available evidence is currently insufficient to determine the role of this variant in disease. Therefore, it has been classified as a Variant of Uncertain Significance.

NM_001482.3(GATM):c.591G>T (p.Arg197Ser)

Gene: GATM (glycine amidinotransferase; minus strand). Cytogenetic location: 15q21.1.
Variant type: single nucleotide variant.
Coding change: c.591G>T on transcript NM_001482.3 (MANE Select); coding-DNA position 591, G replaced by T.
Protein change: p.Arg197Ser; replaces arginine 197 with serine.
Molecular consequence: missense variant.
Genome position (GRCh38, 1-based): chr15:45,368,154, C>A on the plus strand (G>T on the coding strand, the complement: GATM is on the minus strand). VCF-style: chr15-45368154-C-A. GRCh37 (hg19) VCF-style: chr15-45660352-C-A.
Other names: c.204G>T, p.Arg68Ser (NM_001321015.2); short protein forms R197S, R68S.
Identifiers: ClinVar variation 646168 (VCV000646168.8), dbSNP rs1167013064, ClinGen allele CA392260916.
Genomic context (GRCh38, chr15:45,368,154, plus strand): 5'-TGTGGGCTTAGGAGCTGTTGTCCACTTGGCGCCACGGTGGAAGTAGTCTTTGATAATTGA[C>A]CTGTACGCTCGGTACTCAAAGAAGCGTGAACGCCATGCCATGGGAGCCTCGATAATCTCA-3'
Protein context (NP_001473.1, residues 187-207): RSRFFEYRAY[Arg197Ser]SIIKDYFHRG